The following is an entry in ClinVar:

ClinVar aggregate classification (germline): Uncertain significance (1 of 4 stars; one submission).

Conditions:
Inborn genetic diseases. Identifiers: MedGen C0950123, MeSH D030342.

gnomAD v4.1: 1 of 1,613,788 alleles (0.000062%); highest among the groups gnomAD compares: Non-Finnish European, 0.000085%; no homozygotes.

Submission:

Ambry Genetics
Classification: Uncertain significance for Inborn genetic diseases. Last evaluated: 2025-03-14. Review status: criteria provided, single submitter. Criteria: Ambry Variant Classification Scheme 2023. Collection method: clinical testing. Allele origin: germline.
Comment: The p.L1135F variant (also known as c.3405G>T), located in coding exon 1 of the SAMD9L gene, results from a G to T substitution at nucleotide position 3405. The leucine at codon 1135 is replaced by phenylalanine, an amino acid with highly similar properties. This amino acid position is conserved. In addition, this alteration is predicted to be tolerated by in silico analysis. Based on the available evidence, the clinical significance of this variant remains unclear.

NM_152703.5(SAMD9L):c.3405G>T (p.Leu1135Phe)

Gene: SAMD9L (sterile alpha motif domain containing 9 like; minus strand). Cytogenetic location: 7q21.2.
Variant type: single nucleotide variant.
Coding change: c.3405G>T on transcript NM_152703.5 (MANE Select); coding-DNA position 3405, G replaced by T.
Protein change: p.Leu1135Phe; replaces leucine 1135 with phenylalanine.
Molecular consequence: missense variant.
Genome position (GRCh38, 1-based): chr7:93,132,567, C>A on the plus strand (G>T on the coding strand, the complement: SAMD9L is on the minus strand). VCF-style: chr7-93132567-C-A. GRCh37 (hg19) VCF-style: chr7-92761880-C-A.
Other names: c.3405G>T, p.Leu1135Phe (NM_001303496.3, NM_001303497.3, NM_001303498.3 and 5 more transcripts); short protein forms L1135F.
Identifiers: ClinVar variation 3792516 (VCV003792516.1).